The following is an entry in ClinVar:

ClinVar aggregate classification (germline): Uncertain significance (1 of 4 stars; one submission).

Submission:

Labcorp Genetics (formerly Invitae), Labcorp
Classification: Uncertain significance. Last evaluated: 2023-11-27. Review status: criteria provided, single submitter. Criteria: Invitae Variant Classification Sherloc (09022015). Collection method: clinical testing. Allele origin: germline.
Comment: This sequence change replaces arginine, which is basic and polar, with lysine, which is basic and polar, at codon 279 of the BMP2 protein (p.Arg279Lys). This variant is not present in population databases (gnomAD no frequency). This variant has not been reported in the literature in individuals affected with BMP2-related conditions. ClinVar contains an entry for this variant (Variation ID: 1496571). An algorithm developed to predict the effect of missense changes on protein structure and function (PolyPhen-2) suggests that this variant is likely to be disruptive. In summary, the available evidence is currently insufficient to determine the role of this variant in disease. Therefore, it has been classified as a Variant of Uncertain Significance.

NM_001200.4(BMP2):c.836G>A (p.Arg279Lys)

Gene: BMP2 (bone morphogenetic protein 2; plus strand). Cytogenetic location: 20p12.3.
Variant type: single nucleotide variant.
Coding change: c.836G>A on transcript NM_001200.4 (MANE Select); coding-DNA position 836, G replaced by A.
Protein change: p.Arg279Lys; replaces arginine 279 with lysine.
Molecular consequence: missense variant.
Genome position (GRCh38, 1-based): chr20:6,778,734, G>A. VCF-style: chr20-6778734-G-A. GRCh37 (hg19) VCF-style: chr20-6759381-G-A.
Other names: short protein forms R279K.
Identifiers: ClinVar variation 1496571 (VCV001496571.6), dbSNP rs2122391118, ClinGen allele CA408259218.